The following is an entry in ClinVar:

ClinVar aggregate classification (germline): Pathogenic (1 of 4 stars; one submission).

Conditions:
Cohen syndrome (COH1). Also called: Cutis verticis gyrata, retinitis pigmentosa, and sensorineural deafness; PEPPER SYNDROME. Identifiers: Orphanet 193, MedGen C0265223, MONDO:0008999, OMIM 216550.

Submission:

Labcorp Genetics (formerly Invitae), Labcorp
Classification: Pathogenic for Cohen syndrome. Last evaluated: 2022-03-12. Review status: criteria provided, single submitter. Criteria: Invitae Variant Classification Sherloc (09022015). Collection method: clinical testing. Allele origin: germline.
Comment: For these reasons, this variant has been classified as Pathogenic. This variant disrupts a region of the VPS13B protein in which other variant(s) (Deletion (Exons 18-19)) have been determined to be pathogenic (PMID: 19533689). This suggests that this is a clinically significant region of the protein, and that variants that disrupt it are likely to be disease-causing. This variant has not been reported in the literature in individuals affected with VPS13B-related conditions. This variant is a gross deletion of the genomic region encompassing exon(s) 13-19 of the VPS13B gene. This variant would be expected to be in-frame, preserving the integrity of the reading frame.

Literature cited by the submitters: PubMed 19533689.

NC_000008.10:g.(?_100155192)_(100287492_?)del

Gene: VPS13B (vacuolar protein sorting 13 homolog B; plus strand). Cytogenetic location: 8q22.2.
Variant type: Deletion.
Identifiers: ClinVar variation 2426375 (VCV002426375.4).